The following is an entry in ClinVar:

ClinVar aggregate classification (germline): Likely benign. Review status: criteria provided, single submitter (1 of 4 stars). 2 submissions from 2 submitters: Likely benign (1). 1 of the submissions does not count toward it. Last evaluated 2024-06-01.

Conditions:
PKD1-related disorder. Also called: PKD1-related condition.

Allele frequency attached by ClinVar (database versions not stated): ExAC 0.00001; gnomAD exomes 0.00001; TOPMed 0.00005; ESP Exome Variant Server 0.00008; gnomAD 0.00008.
gnomAD v4.1: 35 of 1,607,464 alleles (0.0022%); highest among the groups gnomAD compares: African/African-American, 0.019%; no homozygotes.

Submissions (2):

CeGaT Center for Human Genetics Tuebingen
Classification: Likely benign. Last evaluated: 2024-06-01. Review status: criteria provided, single submitter. Criteria: CeGaT Center For Human Genetics Tuebingen Variant Classification Criteria Version 2. Collection method: clinical testing. Allele origin: germline. Affected: yes. Observed: 1 variant allele.
Comment: PKD1: BP4, BP7

PreventionGenetics, part of Exact Sciences
Classification: Likely benign for PKD1-related condition. Last evaluated: 2019-03-13. Review status: no assertion criteria provided. Collection method: clinical testing. Allele origin: germline. Not counted in ClinVar's aggregate classification.
Comment: This variant is classified as likely benign based on ACMG/AMP sequence variant interpretation guidelines (Richards et al. 2015 PMID: 25741868, with internal and published modifications).

NM_001009944.3(PKD1):c.8529C>T (p.Thr2843=)

Gene: PKD1 (polycystin 1, transient receptor potential channel interacting; minus strand). Cytogenetic location: 16p13.3.
Variant type: single nucleotide variant.
Coding change: c.8529C>T on transcript NM_001009944.3 (MANE Select); coding-DNA position 8529, C replaced by T.
Protein change: p.Thr2843=; no amino-acid change (threonine 2843 retained).
Molecular consequence: synonymous variant.
Genome position (GRCh38, 1-based): chr16:2,103,528, G>A on the plus strand (C>T on the coding strand, the complement: PKD1 is on the minus strand). VCF-style: chr16-2103528-G-A. GRCh37 (hg19) VCF-style: chr16-2153529-G-A.
Other names: c.8529C>T, p.Thr2843= (NM_000296.4).
Identifiers: ClinVar variation 3047086 (VCV003047086.19), dbSNP rs370953279, ClinGen allele CA7830489.